The following is an entry in ClinVar:

ClinVar aggregate classification (germline): Pathogenic (1 of 4 stars; one submission).

Submission:

Labcorp Genetics (formerly Invitae), Labcorp
Classification: Pathogenic. Last evaluated: 2022-09-15. Review status: criteria provided, single submitter. Criteria: Invitae Variant Classification Sherloc (09022015). Collection method: clinical testing. Allele origin: germline.
Comment: This sequence change creates a premature translational stop signal (p.Ser480Thrfs*13) in the USP9X gene. It is expected to result in an absent or disrupted protein product. Loss-of-function variants in USP9X are known to be pathogenic (PMID: 26833328, 28377321). This variant is not present in population databases (gnomAD no frequency). This variant has not been reported in the literature in individuals affected with USP9X-related conditions. For these reasons, this variant has been classified as Pathogenic.

Literature cited by the submitters: PubMed 26833328; PubMed 28377321.

NM_001039591.3(USP9X):c.1438_1439insCTGTT (p.Ser480fs)

Gene: USP9X (ubiquitin specific peptidase 9 X-linked; plus strand). Cytogenetic location: Xp11.4.
Variant type: Insertion.
Coding change: c.1438_1439insCTGTT on transcript NM_001039591.3 (MANE Select); coding-DNA positions 1438 to 1439, CTGTT inserted.
Protein change: p.Ser480fs; shifts the reading frame from serine 480.
Molecular consequence: frameshift variant.
Genome position: GRCh38 VCF-style: chrX-41148387-A-ACTGTT. GRCh37 (hg19) VCF-style: chrX-41007640-A-ACTGTT.
Other names: c.1438_1439insCTGTT, p.Ser480fs (NM_001039590.3); c.1438_1439insCTGTT, p.Ser480Thrfs (NM_001410748.1, NM_001410749.1); short protein forms S480fs.
Identifiers: ClinVar variation 2124584 (VCV002124584.4), dbSNP rs2519155952, ClinGen allele CA2580100944.